The following is an entry in ClinVar:

NM_001201543.2(FAM161A):c.1666C>G (p.Gln556Glu)

Gene: FAM161A (FAM161 centrosomal protein A; minus strand). Cytogenetic location: 2p15.
Variant type: single nucleotide variant.
Coding change: c.1666C>G on transcript NM_001201543.2 (MANE Select); coding-DNA position 1666, C replaced by G.
Protein change: p.Gln556Glu; replaces glutamine 556 with glutamic acid.
Molecular consequence: missense variant. On other transcripts: intron variant (1).
Genome position (GRCh38, 1-based): chr2:61,838,623, G>C on the plus strand (C>G on the coding strand, the complement: FAM161A is on the minus strand). VCF-style: chr2-61838623-G-C. GRCh37 (hg19) VCF-style: chr2-62065758-G-C.
Other names: c.1583+798C>G (NM_032180.3); short protein forms Q556E.
Identifiers: ClinVar variation 4983313 (VCV004983313.1).
Genomic context (GRCh38, chr2:61,838,623, plus strand): 5'-ATATTTGAGCTAAACTTTGATGTGAGTCATAAGCCTTAGCCCGGGTTGTCAGGAGTTTCT[G>C]CAATTCTTTCATTCTTTGCTTCTGTTTAGTTAGGATCCGATTTCTCTCTTCTTCCAACAT-3'
Protein context (NP_001188472.1, residues 546-566): TKQKQRMKEL[Gln556Glu]KLLTTRAKAY

ClinVar aggregate classification (germline): Uncertain significance (1 of 4 stars; one submission).

Conditions:
FAM161A-related disorder. Also called: FAM161A-related condition.

Submission:

PreventionGenetics, part of Exact Sciences
Classification: Uncertain significance for FAM161A-related condition. Last evaluated: 2026-07-07. Review status: criteria provided, single submitter. Criteria: ACMG Guidelines, 2015. Collection method: clinical testing. Allele origin: germline.
Comment: The FAM161A c.1666C>G variant is predicted to result in the amino acid substitution p.Gln556Glu. To our knowledge, this variant has not been reported in the literature. This variant is reported in 0.028% of alleles in individuals of African descent in gnomAD. At this time, the clinical significance of this variant is uncertain due to the absence of conclusive functional and genetic evidence.